The following is an entry in ClinVar:

NM_003738.5(PTCH2):c.2977-2A>G

Gene: PTCH2 (patched 2; minus strand). Cytogenetic location: 1p34.1.
Variant type: single nucleotide variant.
Coding change: c.2977-2A>G on transcript NM_003738.5 (MANE Select); the canonical splice acceptor site of the intron before coding-DNA position 2977, A replaced by G.
Molecular consequence: splice acceptor variant.
Genome position (GRCh38, 1-based): chr1:44,826,389, T>C on the plus strand (A>G on the coding strand, the complement: PTCH2 is on the minus strand). VCF-style: chr1-44826389-T-C. GRCh37 (hg19) VCF-style: chr1-45292061-T-C.
Other names: c.2977-2A>G (NM_001166292.2).
Identifiers: ClinVar variation 2710073 (VCV002710073.3), dbSNP rs2148873822, ClinGen allele CA340108712.

ClinVar aggregate classification (germline): Uncertain significance (1 of 4 stars; one submission).

Conditions:
Gorlin syndrome. Also called: Nevoid Basal Cell Carcinoma Syndrome; Basal cell nevus syndrome. Identifiers: Orphanet 377, MedGen C0004779, MONDO:0007187.

Submission:

Labcorp Genetics (formerly Invitae), Labcorp
Classification: Uncertain significance for Gorlin syndrome. Last evaluated: 2024-01-18. Review status: criteria provided, single submitter. Criteria: Invitae Variant Classification Sherloc (09022015). Collection method: clinical testing. Allele origin: germline.
Comment: This sequence change affects an acceptor splice site in intron 18 of the PTCH2 gene. It is expected to disrupt RNA splicing. Variants that disrupt the donor or acceptor splice site typically lead to a loss of protein function (PMID: 16199547), however the current clinical and genetic evidence is not sufficient to establish whether loss-of-function variants in PTCH2 cause disease. This variant is not present in population databases (gnomAD no frequency). This variant has not been reported in the literature in individuals affected with PTCH2-related conditions. Algorithms developed to predict the effect of sequence changes on RNA splicing suggest that this variant may disrupt the consensus splice site. In summary, the available evidence is currently insufficient to determine the role of this variant in disease. Therefore, it has been classified as a Variant of Uncertain Significance.

Literature cited by the submitters: PubMed 16199547.